The following is an entry in ClinVar:

ClinVar aggregate classification (germline): Uncertain significance (1 of 4 stars; one submission).

Submission:

Labcorp Genetics (formerly Invitae), Labcorp
Classification: Uncertain significance. Last evaluated: 2024-08-06. Review status: criteria provided, single submitter. Criteria: Invitae Variant Classification Sherloc (09022015). Collection method: clinical testing. Allele origin: germline.
Comment: This sequence change replaces threonine, which is neutral and polar, with isoleucine, which is neutral and non-polar, at codon 205 of the GP6 protein (p.Thr205Ile). This variant is present in population databases (no rsID available, gnomAD 0.004%). This variant has not been reported in the literature in individuals affected with GP6-related conditions. An algorithm developed to predict the effect of missense changes on protein structure and function outputs the following: PolyPhen-2: "Benign". The isoleucine amino acid residue is found in multiple mammalian species, which suggests that this missense change does not adversely affect protein function. In summary, the available evidence is currently insufficient to determine the role of this variant in disease. Therefore, it has been classified as a Variant of Uncertain Significance.

NM_016363.5(GP6):c.614C>T (p.Thr205Ile)

Gene: GP6 (glycoprotein VI platelet; minus strand). Cytogenetic location: 19q13.42.
Variant type: single nucleotide variant.
Coding change: c.614C>T on transcript NM_016363.5 (MANE Select); coding-DNA position 614, C replaced by T.
Protein change: p.Thr205Ile; replaces threonine 205 with isoleucine.
Molecular consequence: missense variant. On other transcripts: intron variant (1).
Genome position (GRCh38, 1-based): chr19:55,025,268, G>A on the plus strand (C>T on the coding strand, the complement: GP6 is on the minus strand). VCF-style: chr19-55025268-G-A. GRCh37 (hg19) VCF-style: chr19-55536636-G-A.
Other names: c.614C>T, p.Thr205Ile (NM_001083899.2); c.610+2310C>T (NM_001256017.2); short protein forms T205I.
Identifiers: ClinVar variation 3612855 (VCV003612855.2).